The following is an entry in ClinVar:

ClinVar aggregate classification (germline): Pathogenic/Likely pathogenic. Review status: criteria provided, multiple submitters, no conflicts (2 of 4 stars). 2 submissions from 2 submitters: Pathogenic (1); Likely pathogenic (1). Last evaluated 2024-07-05.

Conditions:
Congenital secretory sodium diarrhea 3 (DIAR3). Also called: Diarrhea 3, secretory sodium, congenital, syndromic; DIARRHEA 3, SECRETORY SODIUM, CONGENITAL, WITH OR WITHOUT OTHER CONGENITAL ANOMALIES. Identifiers: Orphanet 103908, MedGen C5441927, MONDO:0010036, OMIM 270420.

Submissions (2):

Aleixo Muise Laboratory, Hospital For Sick Children
Classification: Pathogenic for Congenital secretory sodium diarrhea 3. Last evaluated: 2024-07-05. Review status: criteria provided, single submitter. Criteria: ACMG Guidelines, 2015. Collection method: research. Allele origin: germline. Affected: yes. Observed: 1 variant allele.
Comment: PVS1;PS1;PM2;PM3;PP3;PP4

GeneDx
Classification: Likely pathogenic. Last evaluated: 2023-01-05. Review status: criteria provided, single submitter. Criteria: GeneDx Variant Classification Process June 2021. Collection method: clinical testing. Allele origin: germline. Affected: yes.
Comment: Frameshift variant predicted to result in protein truncation, as the last 138 amino acids are replaced with 91 different amino acids, and other loss-of-function variants have been reported downstream in the Human Gene Mutation Database (HGMD); Not observed at significant frequency in large population cohorts (gnomAD); Has not been previously published as pathogenic or benign to our knowledge

NM_021102.4(SPINT2):c.342del (p.Arg115fs)

Gene: SPINT2 (serine peptidase inhibitor, Kunitz type 2; plus strand). Cytogenetic location: 19q13.2.
Variant type: Deletion.
Coding change: c.342del on transcript NM_021102.4 (MANE Select); coding-DNA position 342, one base deleted (C; older notation c.342delC).
Protein change: p.Arg115fs; shifts the reading frame from arginine 115.
Molecular consequence: frameshift variant.
Genome position (GRCh38, 1-based): chr19:38,289,142, C deleted; the last of 3 consecutive C bases (chr19:38,289,140-38,289,142); deleting any one gives the same sequence. VCF-style (leftmost placement, unchanged base first): chr19-38289139-TC-T. GRCh37 (hg19) VCF-style: chr19-38779779-TC-T.
Other names: c.171del, p.Arg58fs (NM_001166103.2); short protein forms R58fs, R115fs.
Identifiers: ClinVar variation 1810622 (VCV001810622.2), dbSNP rs1348196809, ClinGen allele CA632859515.
Genomic context (GRCh38, chr19:38,289,139, plus strand): 5'-AGCTAGGCCTGTGTCCTGTGTCCGGCCCAGCCTCCCTAACACAGATGTTTGTGTTTCAGC[TC>T]CCAGAAGGCAGGATTCTGAAGACCACTCCAGCGATATGTTCAACTATGAAGGTAAAACTC-3'